The following is an entry in ClinVar:

NM_001953.5(TYMP):c.1112T>C (p.Leu371Pro)

Genes: SCO2 (synthesis of cytochrome C oxidase 2; minus strand), TYMP (thymidine phosphorylase; minus strand), LOC130067862 (ATAC-STARR-seq lymphoblastoid silent region 13986; plus strand). Cytogenetic location: 22q13.33.
Variant type: single nucleotide variant.
Coding change: c.1112T>C on transcript NM_001953.5 (MANE Select); coding-DNA position 1112, T replaced by C.
Protein change: p.Leu371Pro; replaces leucine 371 with proline.
Molecular consequence: missense variant. On other transcripts: 5 prime UTR variant (1).
Genome position (GRCh38, 1-based): chr22:50,526,293, A>G on the plus strand (T>C on the coding strand, the complement: TYMP is on the minus strand). VCF-style: chr22-50526293-A-G. GRCh37 (hg19) VCF-style: chr22-50964722-A-G.
Other names: Leu>Pro; c.1112T>C, p.Leu371Pro (NM_001113755.3, NM_001113756.3, NM_001257988.1 and 1 more transcripts); c.-61T>C (NM_001169109.2); short protein forms L371P.
Identifiers: ClinVar variation 223052 (VCV000223052.7), dbSNP rs1060499533, ClinGen allele CA16616794.
Genomic context (GRCh38, chr22:50,526,293, plus strand): 5'-CCCCGACGCTCACCATCTGCGGGCGCCAGCAGCTCCTCCTGCTCCCGGGCGCGAGGCAGC[A>G]GCTGCCGGCGTTCTGCGGGACTTCCCGAGCACAGGGCTCGGGCCAGACCGGGATCCACGC-3'
Protein context (NP_001944.1, residues 361-381): CSGSPAERRQ[Leu371Pro]LPRAREQEEL

ClinVar aggregate classification (germline): Conflicting classifications of pathogenicity. Review status: criteria provided, conflicting classifications (1 of 4 stars). 3 submissions from 3 submitters: Likely pathogenic (1); Uncertain significance (1). 1 of the submissions does not count toward it. Last evaluated 2024-11-18.

Conditions:
Mitochondrial neurogastrointestinal encephalomyopathy. Also called: Mitochondrial neurogastrointestinal encephalopathy syndrome; MNGIE syndrome; Thymidine phosphorylase deficiency. Identifiers: Orphanet 298, MedGen C0872218, MONDO:0017575.
Mitochondrial DNA depletion syndrome 1. Also called: Mitochondrial neurogastrointestinal encephalomyopathy syndrome; POLIP SYNDROME; POLYNEUROPATHY, OPHTHALMOPLEGIA, LEUKOENCEPHALOPATHY, AND INTESTINAL PSEUDOOBSTRUCTION; Mitochondrial DNA Depletion Syndrome, MNGIE Form; Mitochondrial Neurogastrointestinal Encephalopathy Disease; MITOCHONDRIAL NEUROGASTROINTESTINAL ENCEPHALOPATHY SYNDROME, TYMP-RELATED. Identifiers: Orphanet 298, MedGen C4551995, MONDO:0011283, OMIM 603041.

Allele frequency attached by ClinVar (database versions not stated): gnomAD exomes below 0.00001.
gnomAD v4.1: 1 of 1,554,242 alleles (0.000064%); highest among the groups gnomAD compares: Non-Finnish European, 0.000086%; no homozygotes.

Submissions (3):

Labcorp Genetics (formerly Invitae), Labcorp
Classification: Uncertain significance. Last evaluated: 2024-11-18. Review status: criteria provided, single submitter. Criteria: Invitae Variant Classification Sherloc (09022015). Collection method: clinical testing. Allele origin: germline.
Comment: This sequence change replaces leucine, which is neutral and non-polar, with proline, which is neutral and non-polar, at codon 371 of the TYMP protein (p.Leu371Pro). This variant is not present in population databases (gnomAD no frequency). This missense change has been observed in individual(s) with mitochondrial DNA depletion syndrome (PMID: 12529715). ClinVar contains an entry for this variant (Variation ID: 223052). Invitae Evidence Modeling of protein sequence and biophysical properties (such as structural, functional, and spatial information, amino acid conservation, physicochemical variation, residue mobility, and thermodynamic stability) indicates that this missense variant is not expected to disrupt TYMP protein function with a negative predictive value of 95%. In summary, the available evidence is currently insufficient to determine the role of this variant in disease. Therefore, it has been classified as a Variant of Uncertain Significance.

Natera, Inc.
Classification: Likely pathogenic for Mitochondrial neurogastrointestinal encephalomyopathy. Last evaluated: 2024-06-29. Review status: criteria provided, single submitter. Criteria: Natera Variant Classification Schema (03/2026). Collection method: clinical testing. Allele origin: germline.
Comment: The c.1112T>C variant in TYMP is a missense variant predicted to cause substitution of leucine to proline at amino acid 371. This variant is rare in the general population with a frequency below the threshold expected for the associated phenotype(s). This variant has been observed in one or more individuals affected with the associated recessive disease, as either homozygous or compound heterozygous with a second variant (PMID: 12529715). Computational prediction algorithms indicate this variant is likely to affect gene or protein function. Given the available evidence, this variant is classified as Likely Pathogenic.

GeneReviews
Classification: Pathogenic for Mitochondrial DNA depletion syndrome 1. Last evaluated: 2016-01-14. Review status: no assertion criteria provided. Collection method: literature only. Allele origin: germline. Affected: yes. Not counted in ClinVar's aggregate classification.

Literature cited by the submitters: PubMed 12529715 (cited by 3 submitters).